The following is an entry in ClinVar:

NM_001127222.2(CACNA1A):c.5861A>G (p.Lys1954Arg)

Gene: CACNA1A (calcium voltage-gated channel subunit alpha1 A; minus strand). Cytogenetic location: 19p13.13.
Variant type: single nucleotide variant.
Coding change: c.5861A>G on transcript NM_001127222.2 (MANE Select); coding-DNA position 5861, A replaced by G.
Protein change: p.Lys1954Arg; replaces lysine 1954 with arginine.
Molecular consequence: missense variant.
Genome position (GRCh38, 1-based): chr19:13,214,312, T>C on the plus strand (A>G on the coding strand, the complement: CACNA1A is on the minus strand). VCF-style: chr19-13214312-T-C. GRCh37 (hg19) VCF-style: chr19-13325126-T-C.
Other names: c.5879A>G, p.Lys1960Arg (NM_000068.4, NM_023035.3); c.5864A>G, p.Lys1955Arg (NM_001127221.2); c.5870A>G, p.Lys1957Arg (NM_001174080.2); short protein forms K1957R, K1960R, K1954R, K1955R.
Identifiers: ClinVar variation 2132672 (VCV002132672.4), dbSNP rs2512543799, ClinGen allele CA404334176.

ClinVar aggregate classification (germline): Uncertain significance (1 of 4 stars; one submission).

Conditions:
Episodic ataxia type 2 (EA2). Also called: ACETAZOLAMIDE-RESPONSIVE HEREDITARY PAROXYSMAL CEREBELLAR ATAXIA; ATAXIA, EPISODIC, WITH NYSTAGMUS; ATAXIA, FAMILIAL PAROXYSMAL; CEREBELLAR ATAXIA, PAROXYSMAL, ACETAZOLAMIDE-RESPONSIVE; CEREBELLOPATHY, HEREDITARY PAROXYSMAL; EPISODIC ATAXIA, NYSTAGMUS-ASSOCIATED. Identifiers: Orphanet 97, MedGen C1720416, MONDO:0007163, OMIM 108500.
Developmental and epileptic encephalopathy, 42 (DEE42A). Also called: EPILEPTIC ENCEPHALOPATHY, EARLY INFANTILE, 42A; DEVELOPMENTAL AND EPILEPTIC ENCEPHALOPATHY 42A; Epileptic encephalopathy, early infantile, 42. Identifiers: MedGen C4310716, MONDO:0014917, OMIM 617106.

Submission:

Labcorp Genetics (formerly Invitae), Labcorp
Classification: Uncertain significance for Developmental and epileptic encephalopathy, 42; Episodic ataxia type 2. Last evaluated: 2023-06-03. Review status: criteria provided, single submitter. Criteria: Invitae Variant Classification Sherloc (09022015). Collection method: clinical testing. Allele origin: germline.
Comment: This variant has not been reported in the literature in individuals affected with CACNA1A-related conditions. In summary, the available evidence is currently insufficient to determine the role of this variant in disease. Therefore, it has been classified as a Variant of Uncertain Significance. Advanced modeling of protein sequence and biophysical properties (such as structural, functional, and spatial information, amino acid conservation, physicochemical variation, residue mobility, and thermodynamic stability) performed at Invitae indicates that this missense variant is expected to disrupt CACNA1A protein function. ClinVar contains an entry for this variant (Variation ID: 2132672). This variant is not present in population databases (gnomAD no frequency). This sequence change replaces lysine, which is basic and polar, with arginine, which is basic and polar, at codon 1955 of the CACNA1A protein (p.Lys1955Arg).